The following is an entry in ClinVar:

ClinVar aggregate classification (germline): Uncertain significance (1 of 4 stars; one submission).

Submission:

Labcorp Genetics (formerly Invitae), Labcorp
Classification: Uncertain significance. Last evaluated: 2022-03-19. Review status: criteria provided, single submitter. Criteria: Invitae Variant Classification Sherloc (09022015). Collection method: clinical testing. Allele origin: germline.
Comment: In summary, the available evidence is currently insufficient to determine the role of this variant in disease. Therefore, it has been classified as a Variant of Uncertain Significance. Algorithms developed to predict the effect of missense changes on protein structure and function are either unavailable or do not agree on the potential impact of this missense change (SIFT: "Tolerated"; PolyPhen-2: "Probably Damaging"; Align-GVGD: "Class C0"). This variant has not been reported in the literature in individuals affected with GUCY2C-related conditions. This variant is not present in population databases (gnomAD no frequency). This sequence change replaces aspartic acid, which is acidic and polar, with asparagine, which is neutral and polar, at codon 945 of the GUCY2C protein (p.Asp945Asn).

NM_004963.4(GUCY2C):c.2833G>A (p.Asp945Asn)

Genes: GUCY2C (guanylate cyclase 2C; minus strand), PLBD1-AS1 (PLBD1 antisense RNA 1; plus strand). Cytogenetic location: 12p12.3.
Variant type: single nucleotide variant.
Coding change: c.2833G>A on transcript NM_004963.4 (MANE Select); coding-DNA position 2833, G replaced by A.
Protein change: p.Asp945Asn; replaces aspartic acid 945 with asparagine.
Molecular consequence: missense variant. On other transcripts: non-coding transcript variant (1).
Genome position (GRCh38, 1-based): chr12:14,619,253, C>T on the plus strand (G>A on the coding strand, the complement: GUCY2C is on the minus strand). VCF-style: chr12-14619253-C-T. GRCh37 (hg19) VCF-style: chr12-14772187-C-T.
Other names: short protein forms D945N.
Identifiers: ClinVar variation 1965283 (VCV001965283.5), dbSNP rs2497604909, ClinGen allele CA383993121.
Genomic context (GRCh38, chr12:14,619,253, plus strand): 5'-AACAGTCTCCCTTCTTACGGAGGCCAGTGGATTCCATCCTAGAGGCTGTGTTGACCGTAT[C>T]TCCAAATAGACAATAACGAGGCATCTTGATTCCCACAACTCCAGCAGCACAGGGACCTGA-3'
Protein context (NP_004954.2, residues 935-955): IKMPRYCLFG[Asp945Asn]TVNTASRMES